The following is an entry in ClinVar:

ClinVar aggregate classification (germline): Pathogenic (1 of 4 stars; one submission).

Conditions:
Hyper-IgE recurrent infection syndrome 3, autosomal recessive. Also called: Autosomal recessive hyper-IgE syndrome due to ZNF341 deficiency; HYPER-IgE SYNDROME 3, AUTOSOMAL RECESSIVE, WITH RECURRENT INFECTIONS. Identifiers: Orphanet 641368, MedGen C4748969, MONDO:0032654, OMIM 618282.

Submission:

Labcorp Genetics (formerly Invitae), Labcorp
Classification: Pathogenic for Combined immunodeficiency due to DOCK8 deficiency. Last evaluated: 2018-08-21. Review status: criteria provided, single submitter. Criteria: Invitae Variant Classification Sherloc (09022015). Collection method: clinical testing. Allele origin: germline.
Comment: For these reasons, this variant has been classified as Pathogenic. Loss-of-function variants in DOCK8 are known to be pathogenic (PMID: 14722525, 19776401). This variant has not been reported in the literature in individuals with DOCK8-related disease. This variant is a gross deletion of the genomic region encompassing exons 1-33 of the DOCK8 gene, which includes the initiator codon. The 5' end of this event is unknown as it extends beyond the assayed region for this gene and therefore may encompass additional genes. The 3' boundary is likely confined to intron 33 of the DOCK8 gene. This is expected to result in an absent or disrupted protein product.

Literature cited by the submitters: PubMed 14722525; PubMed 19776401.

NC_000009.12:g.(?_214957)_(422155_?)del

Genes: DOCK8 (dedicator of cytokinesis 8; plus strand), DOCK8-AS1 (DOCK8 antisense RNA 1; minus strand), LOC130001437 (ATAC-STARR-seq lymphoblastoid silent region 19722; plus strand), LOC130001438 (ATAC-STARR-seq lymphoblastoid silent region 19723; plus strand), LOC130001439 (ATAC-STARR-seq lymphoblastoid active region 28115; plus strand) and 2 more. Cytogenetic location: 9p24.3.
Variant type: Deletion.
Identifiers: ClinVar variation 647966 (VCV000647966.10).